The following is an entry in ClinVar:

NC_000001.10:g.(?_154246017)_(154247306_?)del

Gene: HAX1 (HCLS1 associated protein X-1; plus strand). Cytogenetic location: 1q21.3.
Variant type: Deletion.
Identifiers: ClinVar variation 3247853 (VCV003247853.1).

ClinVar aggregate classification (germline): Likely pathogenic (1 of 4 stars; one submission).

Conditions:
Kostmann syndrome (SCN3). Also called: Autosomal recessive severe congenital neutropenia type 3; KOSTMANN DISEASE. Identifiers: Orphanet 99749, MedGen C5235141, MONDO:0012548, OMIM 610738.

Submission:

Labcorp Genetics (formerly Invitae), Labcorp
Classification: Likely pathogenic for Kostmann syndrome. Last evaluated: 2023-12-14. Review status: criteria provided, single submitter. Criteria: Invitae Variant Classification Sherloc (09022015). Collection method: clinical testing. Allele origin: unknown.
Comment: This variant results in the deletion of exon 3 and part of exon 2 (c.259_505-120del) of the HAX1 gene. It is expected to disrupt RNA splicing. Variants that disrupt the donor or acceptor splice site typically lead to a loss of protein function (PMID: 16199547), and loss-of-function variants in HAX1 are known to be pathogenic (PMID: 17187068). This variant has not been reported in the literature in individuals affected with HAX1-related conditions. In summary, the currently available evidence indicates that the variant is pathogenic, but additional data are needed to prove that conclusively. Therefore, this variant has been classified as Likely Pathogenic.

Literature cited by the submitters: PubMed 16199547; PubMed 17187068.